The following is an entry in ClinVar:

NM_001267550.2(TTN):c.54189T>C (p.Tyr18063=)

Genes: TTN (titin; minus strand), TTN-AS1 (TTN antisense RNA 1; plus strand). Cytogenetic location: 2q31.2.
Variant type: single nucleotide variant.
Coding change: c.54189T>C on transcript NM_001267550.2 (MANE Select); coding-DNA position 54189, T replaced by C.
Protein change: p.Tyr18063=; no amino-acid change (tyrosine 18063 retained).
Molecular consequence: synonymous variant. On other transcripts: non-coding transcript variant (1).
Genome position (GRCh38, 1-based): chr2:178,604,988, A>G on the plus strand (T>C on the coding strand, the complement: TTN is on the minus strand). VCF-style: chr2-178604988-A-G. GRCh37 (hg19) VCF-style: chr2-179469715-A-G.
Other names: p.Y16422Y:TAT>TAC; p.Tyr16422=; c.26994T>C, p.Tyr8998= (NM_003319.4); c.46485T>C, p.Tyr15495= (NM_133378.4); c.27369T>C, p.Tyr9123= (NM_133432.3); c.27570T>C, p.Tyr9190= (NM_133437.4); c.49266T>C, p.Tyr16422= (NM_001256850.1).
Identifiers: ClinVar variation 47086 (VCV000047086.62), dbSNP rs2303834, ClinGen allele CA283436.

ClinVar aggregate classification (germline): Conflicting classifications of pathogenicity. Review status: criteria provided, conflicting classifications (1 of 4 stars). 23 submissions from 19 submitters: Uncertain significance (1); Benign (10); Likely benign (5). 7 of the submissions do not count toward it. Last evaluated 2026-01-27.

Conditions:
Cardiovascular phenotype. Identifiers: MedGen CN230736.
TTN-related disorder. Also called: TTN-related disorders; TTN-related condition; TTN-related disease.
Dilated cardiomyopathy 1G (CMD1G). Identifiers: Orphanet 154, MedGen C1858763, MONDO:0011400, OMIM 604145.
Autosomal recessive limb-girdle muscular dystrophy type 2J (LGMDR10). Also called: MUSCULAR DYSTROPHY, LIMB-GIRDLE, AUTOSOMAL RECESSIVE 10; Limb-girdle muscular dystrophy, type 2J. Identifiers: Orphanet 140922, MedGen C1837342, MONDO:0012127, OMIM 608807.
Cardiomyopathy (CMYO). Also called: Cardiomyopathies. Identifiers: Orphanet 167848, MedGen C0878544, MONDO:0004994, HP:0001638. Inheritance: Various modes of inheritance.
Early-onset myopathy with fatal cardiomyopathy (CMYO5). Also called: CONGENITAL MYOPATHY 5 WITH CARDIOMYOPATHY; Salih Myopathy. Identifiers: Orphanet 289377, MedGen C2673677, MONDO:0012714, OMIM 611705. Disease mechanism: loss of function.
Myopathy, myofibrillar, 9, with early respiratory failure (MFM9). Also called: Myopathy, distal, with early respiratory failure, autosomal dominant; Hereditary myopathy with early respiratory failure; MYOPATHY, PROXIMAL, WITH EARLY RESPIRATORY MUSCLE INVOLVEMENT; EDSTROM MYOPATHY. Identifiers: Orphanet 178464, Orphanet 34521, MedGen C1863599, MONDO:0011362, OMIM 603689.
Tibial muscular dystrophy (TMD). Also called: Udd Distal Myopathy – Tibial Muscular Dystrophy; Tibial muscular dystrophy, tardive; UDD MYOPATHY. Identifiers: Orphanet 609, MedGen C1838244, MONDO:0010870, OMIM 600334.

Allele frequency attached by ClinVar (database versions not stated): ESP Exome Variant Server 0.00008; gnomAD 0.00047 and 0.00074; 1000 Genomes Project 0.00240; TOPMed 0.00064; 1000 Genomes Project 30x 0.00203; gnomAD exomes 0.00087 and 0.00140; ExAC 0.00169.
gnomAD v4.1: 1,374 of 1,593,748 alleles (0.086%); highest among the groups gnomAD compares: East Asian, 1.2%; 11 homozygotes.

Submissions (23):

Labcorp Genetics (formerly Invitae), Labcorp
Classification: Benign for Dilated cardiomyopathy 1G; Autosomal recessive limb-girdle muscular dystrophy type 2J. Last evaluated: 2026-01-27. Review status: criteria provided, single submitter. Criteria: Invitae Variant Classification Sherloc (09022015). Collection method: clinical testing. Allele origin: germline.

CeGaT Center for Human Genetics Tuebingen
Classification: Likely benign. Last evaluated: 2025-03-01. Review status: criteria provided, single submitter. Criteria: CeGaT Center For Human Genetics Tuebingen Variant Classification Criteria Version 2. Collection method: clinical testing. Allele origin: germline. Affected: yes. Observed: 3 variant alleles.
Comment: TTN: BP4, BP7, BS1

Blueprint Genetics
Classification: Likely benign. Last evaluated: 2024-11-22. Review status: criteria provided, single submitter. Criteria: ACMG Guidelines, 2015. Collection method: clinical testing. Allele origin: germline.

Mayo Clinic Laboratories, Mayo Clinic
Classification: Likely benign. Last evaluated: 2024-11-01. Review status: criteria provided, single submitter. Criteria: ACMG Guidelines, 2015. Collection method: clinical testing. Allele origin: germline. Observed: 3 variant alleles.
Comment: BS1, BP4

Women's Health and Genetics/Laboratory Corporation of America, LabCorp
Classification: Benign. Last evaluated: 2021-06-21. Review status: criteria provided, single submitter. Criteria: LabCorp Variant Classification Summary - May 2015. Collection method: clinical testing. Allele origin: germline.
Comment: Variant summary: TTN c.46485T>C (p.Tyr15495Tyr) alters a conserved nucleotide located close to a canonical splice site and therefore could affect mRNA splicing, leading to a significantly altered protein sequence. 4/4 computational tools predict no significant impact on normal splicing. However, these predictions have yet to be confirmed by functional studies. The variant allele was found at a frequency of 0.0014 in 234324 control chromosomes, predominantly at a frequency of 0.01 within the East Asian subpopulation in the gnomAD database, including 3 homozygotes. The observed variant frequency within East Asian control individuals in the gnomAD database is approximately 25.59 fold of the estimated maximal expected allele frequency for a pathogenic variant in TTN causing Dilated Cardiomyopathy phenotype (0.00039), strongly suggesting that the variant is a benign polymorphism found primarily in populations of East Asian origin. Seven clinical diagnostic laboratories have submitted clinical-significance assessments for this variant to ClinVar after 2014 without evidence for independent evaluation. Six labs classify as benign/likely benign while one classified as VUS. Based on the evidence outlined above, the variant was classified as benign.

Athena Diagnostics
Classification: Benign. Last evaluated: 2020-11-23. Review status: criteria provided, single submitter. Criteria: Athena Diagnostics criteria. Collection method: clinical testing. Allele origin: unknown.

ARUP Laboratories, Molecular Genetics and Genomics, ARUP Laboratories
Classification: Benign. Last evaluated: 2020-04-22. Review status: criteria provided, single submitter. Criteria: ARUP Molecular Germline Variant Investigation Process. Collection method: clinical testing. Allele origin: germline.

Illumina Laboratory Services, Illumina
Classification: Benign for Myopathy, myofibrillar, 9, with early respiratory failure. Last evaluated: 2018-01-12. Review status: criteria provided, single submitter. Criteria: ICSL Variant Classification Criteria 13 December 2019. Collection method: clinical testing. Allele origin: germline.
Comment: This variant was observed in the ICSL laboratory as part of a predisposition screen in an ostensibly healthy population. It had not been previously curated by ICSL or reported in the Human Gene Mutation Database (HGMD: prior to June 1st, 2018), and was therefore a candidate for classification through an automated scoring system. Utilizing variant allele frequency, disease prevalence and penetrance estimates, and inheritance mode, an automated score was calculated to assess if this variant is too frequent to cause the disease. Based on the score and internal cut-off values, a variant classified as benign is not then subjected to further curation. The score for this variant resulted in a classification of benign for this disease.

Illumina Laboratory Services, Illumina
Classification: Likely benign for Dilated cardiomyopathy 1G. Last evaluated: 2018-01-12. Review status: criteria provided, single submitter. Criteria: ICSL Variant Classification Criteria 13 December 2019. Collection method: clinical testing. Allele origin: germline.
Comment: This variant was observed in the ICSL laboratory as part of a predisposition screen in an ostensibly healthy population. It had not been previously curated by ICSL or reported in the Human Gene Mutation Database (HGMD: prior to June 1st, 2018), and was therefore a candidate for classification through an automated scoring system. Utilizing variant allele frequency, disease prevalence and penetrance estimates, and inheritance mode, an automated score was calculated to assess if this variant is too frequent to cause the disease. Based on the score and internal cut-off values, a variant classified as likely benign is not then subjected to further curation. The score for this variant resulted in a classification of likely benign for this disease.

Illumina Laboratory Services, Illumina
Classification: Likely benign for Early-onset myopathy with fatal cardiomyopathy. Last evaluated: 2018-01-12. Review status: criteria provided, single submitter. Criteria: ICSL Variant Classification Criteria 13 December 2019. Collection method: clinical testing. Allele origin: germline.
Comment: the same text as in the submission from Illumina Laboratory Services, Illumina above.

Illumina Laboratory Services, Illumina
Classification: Benign for Tibial muscular dystrophy. Last evaluated: 2018-01-12. Review status: criteria provided, single submitter. Criteria: ICSL Variant Classification Criteria 13 December 2019. Collection method: clinical testing. Allele origin: germline.
Comment: the same text as in the submission from Illumina Laboratory Services, Illumina above.

Illumina Laboratory Services, Illumina
Classification: Uncertain significance for Autosomal recessive limb-girdle muscular dystrophy type 2J. Last evaluated: 2018-01-12. Review status: criteria provided, single submitter. Criteria: ICSL Variant Classification Criteria 13 December 2019. Collection method: clinical testing. Allele origin: germline.

Ambry Genetics
Classification: Benign for Cardiovascular phenotype. Last evaluated: 2018-01-02. Review status: criteria provided, single submitter. Criteria: Ambry Variant Classification Scheme 2023. Collection method: clinical testing. Allele origin: germline.

CHEO Genetics Diagnostic Laboratory, Children's Hospital of Eastern Ontario
Classification: Benign for Cardiomyopathy. Last evaluated: 2016-04-01. Review status: criteria provided, single submitter. Criteria: ACMG Guidelines, 2015. Collection method: clinical testing. Allele origin: germline. Study: Canadian Open Genetics Repository.

GeneDx
Classification: Benign. Last evaluated: 2014-05-15. Review status: criteria provided, single submitter. Criteria: GeneDx Variant Classification (06012015). Collection method: clinical testing. Allele origin: germline. Affected: yes.
Comment: This variant is considered likely benign or benign based on one or more of the following criteria: it is a conservative change, it occurs at a poorly conserved position in the protein, it is predicted to be benign by multiple in silico algorithms, and/or has population frequency not consistent with disease.

Laboratory for Molecular Medicine, Mass General Brigham Personalized Medicine
Classification: Benign. Last evaluated: 2012-12-14. Review status: criteria provided, single submitter. Criteria: LMM Criteria. Collection method: clinical testing. Allele origin: germline. Observed: 5 variant alleles.
Comment: 1000 Genomes: 3.9% (7/178) of Japanese chromosomes

PreventionGenetics, part of Exact Sciences
Classification: Benign for TTN-related condition. Last evaluated: 2023-11-22. Review status: no assertion criteria provided. Collection method: clinical testing. Allele origin: germline. Not counted in ClinVar's aggregate classification.
Comment: This variant is classified as benign based on ACMG/AMP sequence variant interpretation guidelines (Richards et al. 2015 PMID: 25741868, with internal and published modifications).

Clinical Genetics DNA and cytogenetics Diagnostics Lab, Erasmus MC, Erasmus Medical Center
Classification: Benign. Review status: no assertion criteria provided. Collection method: clinical testing. Allele origin: germline. Affected: yes. Study: VKGL Data-share Consensus. Not counted in ClinVar's aggregate classification.

Clinical Genetics, Academic Medical Center
Classification: Benign. Review status: no assertion criteria provided. Collection method: clinical testing. Allele origin: germline. Affected: yes. Study: VKGL Data-share Consensus. Not counted in ClinVar's aggregate classification.

Diagnostic Laboratory, Department of Genetics, University Medical Center Groningen
Classification: Likely benign. Review status: no assertion criteria provided. Collection method: clinical testing. Allele origin: germline. Affected: yes. Study: VKGL Data-share Consensus. Not counted in ClinVar's aggregate classification.

Genome Diagnostics Laboratory, University Medical Center Utrecht
Classification: Likely benign. Review status: no assertion criteria provided. Collection method: clinical testing. Allele origin: germline. Affected: yes. Study: VKGL Data-share Consensus. Not counted in ClinVar's aggregate classification.

Joint Genome Diagnostic Labs from Nijmegen and Maastricht, Radboudumc and MUMC+
Classification: Benign. Review status: no assertion criteria provided. Collection method: clinical testing. Allele origin: germline. Affected: yes. Study: VKGL Data-share Consensus. Not counted in ClinVar's aggregate classification.

Laboratory of Diagnostic Genome Analysis, Leiden University Medical Center (LUMC)
Classification: Likely benign. Review status: no assertion criteria provided. Collection method: clinical testing. Allele origin: germline. Affected: yes. Study: VKGL Data-share Consensus. Not counted in ClinVar's aggregate classification.